The following is an entry in ClinVar:

ClinVar aggregate classification (germline): Uncertain significance. Review status: criteria provided, multiple submitters, no conflicts (2 of 4 stars). 3 submissions from 3 submitters: Uncertain significance (2). 1 of the submissions does not count toward it. Last evaluated 2025-04-24.

Conditions:
TERT-related disorder. Also called: TERT-related disorders; TERT-related condition.
Dyskeratosis congenita. Identifiers: Orphanet 1775, MedGen C0265965, MONDO:0015780.
Idiopathic Pulmonary Fibrosis. Also called: Idiopathic fibrosing alveolitis, chronic form; idiopathic fibrosing alveolitis. Identifiers: Orphanet 2032, MedGen C1800706, MeSH D054990, MONDO:0800504.
Dyskeratosis congenita, autosomal dominant 2. Identifiers: MedGen C3151443, MONDO:0013521, OMIM 613989.

Submissions (3):

Ambry Genetics
Classification: Uncertain significance for Dyskeratosis congenita. Last evaluated: 2025-04-24. Review status: criteria provided, single submitter. Criteria: Ambry Variant Classification Scheme 2023. Collection method: clinical testing. Allele origin: germline.
Comment: The p.R261K variant (also known as c.782G>A), located in coding exon 2 of the TERT gene, results from a G to A substitution at nucleotide position 782. The arginine at codon 261 is replaced by lysine, an amino acid with highly similar properties. This amino acid position is not well conserved in available vertebrate species. In addition, this alteration is predicted to be tolerated by in silico analysis. Based on the available evidence, the clinical significance of this variant remains unclear.

Labcorp Genetics (formerly Invitae), Labcorp
Classification: Uncertain significance for Dyskeratosis congenita, autosomal dominant 2; Idiopathic Pulmonary Fibrosis. Last evaluated: 2023-10-30. Review status: criteria provided, single submitter. Criteria: Invitae Variant Classification Sherloc (09022015). Collection method: clinical testing. Allele origin: germline.
Comment: This sequence change replaces arginine, which is basic and polar, with lysine, which is basic and polar, at codon 261 of the TERT protein (p.Arg261Lys). This variant is not present in population databases (gnomAD no frequency). This variant has not been reported in the literature in individuals affected with TERT-related conditions. ClinVar contains an entry for this variant (Variation ID: 471903). Algorithms developed to predict the effect of missense changes on protein structure and function output the following: SIFT: "Not Available"; PolyPhen-2: "Benign"; Align-GVGD: "Not Available". The lysine amino acid residue is found in multiple mammalian species, which suggests that this missense change does not adversely affect protein function. In summary, the available evidence is currently insufficient to determine the role of this variant in disease. Therefore, it has been classified as a Variant of Uncertain Significance.

PreventionGenetics, part of Exact Sciences
Classification: Uncertain significance for TERT-related condition. Last evaluated: 2024-05-23. Review status: no assertion criteria provided. Collection method: clinical testing. Allele origin: germline. Not counted in ClinVar's aggregate classification.
Comment: The TERT c.782G>A variant is predicted to result in the amino acid substitution p.Arg261Lys. To our knowledge, this variant has not been reported in the literature or in a large population database, indicating this variant is rare. In ClinVar, this variant is interpreted as uncertain. At this time, the clinical significance of this variant is uncertain due to the absence of conclusive functional and genetic evidence.

NM_198253.3(TERT):c.782G>A (p.Arg261Lys)

Gene: TERT (telomerase reverse transcriptase; minus strand). Cytogenetic location: 5p15.33.
Variant type: single nucleotide variant.
Coding change: c.782G>A on transcript NM_198253.3 (MANE Select); coding-DNA position 782, G replaced by A.
Protein change: p.Arg261Lys; replaces arginine 261 with lysine.
Molecular consequence: missense variant. On other transcripts: non-coding transcript variant (2).
Genome position (GRCh38, 1-based): chr5:1,294,104, C>T on the plus strand (G>A on the coding strand, the complement: TERT is on the minus strand). VCF-style: chr5-1294104-C-T. GRCh37 (hg19) VCF-style: chr5-1294219-C-T.
Other names: c.782G>A, p.Arg261Lys (NM_001193376.3); short protein forms R261K.
Identifiers: ClinVar variation 471903 (VCV000471903.15), dbSNP rs1554042981, ClinGen allele CA359056832.